The following is an entry in ClinVar:

ClinVar aggregate classification (germline): Pathogenic/Likely pathogenic. Review status: criteria provided, multiple submitters, no conflicts (2 of 4 stars). 2 submissions from 2 submitters: Pathogenic (1); Likely pathogenic (1). Last evaluated 2024-05-20.

Conditions:
Parkinsonian-pyramidal syndrome. Also called: PARKINSON DISEASE 15, AUTOSOMAL RECESSIVE EARLY-ONSET; PALLIDOPYRAMIDAL SYNDROME; PARKINSON DISEASE 15, AUTOSOMAL RECESSIVE. Identifiers: Orphanet 171695, MedGen C1850100, MONDO:0009830, OMIM 260300.

Submissions (2):

Fulgent Genetics
Classification: Likely pathogenic for Parkinsonian-pyramidal syndrome. Last evaluated: 2024-05-20. Review status: criteria provided, single submitter. Criteria: ACMG Guidelines, 2015. Collection method: clinical testing. Allele origin: germline.

Labcorp Genetics (formerly Invitae), Labcorp
Classification: Pathogenic for Parkinsonian-pyramidal syndrome. Last evaluated: 2023-08-18. Review status: criteria provided, single submitter. Criteria: Invitae Variant Classification Sherloc (09022015). Collection method: clinical testing. Allele origin: germline.
Comment: For these reasons, this variant has been classified as Pathogenic. This variant has not been reported in the literature in individuals affected with FBXO7-related conditions. This variant is not present in population databases (gnomAD no frequency). This sequence change creates a premature translational stop signal (p.Arg306Profs*3) in the FBXO7 gene. It is expected to result in an absent or disrupted protein product. Loss-of-function variants in FBXO7 are known to be pathogenic (PMID: 21347293).

Literature cited by the submitters: PubMed 21347293 (cited by Labcorp Genetics (formerly Invitae), Labcorp).

NM_012179.4(FBXO7):c.917_918del (p.Arg306fs)

Gene: FBXO7 (F-box protein 7; plus strand). Cytogenetic location: 22q12.3.
Variant type: Deletion.
Coding change: c.917_918del on transcript NM_012179.4 (MANE Select); coding-DNA positions 917 to 918, 2 bases deleted (GC; older notation c.917_918delGC).
Protein change: p.Arg306fs; shifts the reading frame from arginine 306.
Molecular consequence: frameshift variant.
Genome position (GRCh38, 1-based): chr22:32,491,131-32,491,132, GC deleted; deleting any 2 consecutive bases within chr22:32,491,130-32,491,132 gives the same sequence; the c. name uses the placement nearest the transcript's 3' end. VCF-style (leftmost placement, unchanged base first): chr22-32491129-TCG-T. GRCh37 (hg19) VCF-style: chr22-32887116-TCG-T.
Other names: c.680_681del, p.Arg227fs (NM_001033024.2); c.575_576del, p.Arg192fs (NM_001257990.2); short protein forms R227fs, R192fs, R306fs.
Identifiers: ClinVar variation 2909762 (VCV002909762.4), dbSNP rs2544665272, ClinGen allele CA2739267936.